The following is an entry in ClinVar:

NM_006386.5(DDX17):c.1679G>C (p.Gly560Ala)

Gene: DDX17 (DEAD-box helicase 17; minus strand). Cytogenetic location: 22q13.1.
Variant type: single nucleotide variant.
Coding change: c.1679G>C on transcript NM_006386.5 (MANE Select); coding-DNA position 1679, G replaced by C.
Protein change: p.Gly560Ala; replaces glycine 560 with alanine.
Molecular consequence: missense variant.
Genome position (GRCh38, 1-based): chr22:38,487,884, C>G on the plus strand (G>C on the coding strand, the complement: DDX17 is on the minus strand). VCF-style: chr22-38487884-C-G. GRCh37 (hg19) VCF-style: chr22-38883889-C-G.
Other names: c.1679G>C, p.Gly560Ala (NM_001098504.2); short protein forms G560A.
Identifiers: ClinVar variation 5008173 (VCV005008173.1).

ClinVar aggregate classification (germline): Uncertain significance (1 of 4 stars; one submission).

Submission:

GeneDx
Classification: Uncertain significance. Last evaluated: 2026-02-13. Review status: criteria provided, single submitter. Criteria: GeneDx Variant Classification Process June 2021. Collection method: clinical testing. Allele origin: germline.
Comment: Not observed at significant frequency in large population cohorts (gnomAD); In silico analysis suggests that this missense variant does not alter protein structure/function; Has not been previously published as pathogenic or benign to our knowledge